The following is an entry in ClinVar:

NM_001845.6(COL4A1):c.4717G>A (p.Gly1573Arg)

Gene: COL4A1 (collagen type IV alpha 1 chain; minus strand). Cytogenetic location: 13q34.
Variant type: single nucleotide variant.
Coding change: c.4717G>A on transcript NM_001845.6 (MANE Select); coding-DNA position 4717, G replaced by A.
Protein change: p.Gly1573Arg; replaces glycine 1573 with arginine.
Molecular consequence: missense variant.
Genome position (GRCh38, 1-based): chr13:110,155,321, C>T on the plus strand (G>A on the coding strand, the complement: COL4A1 is on the minus strand). VCF-style: chr13-110155321-C-T. GRCh37 (hg19) VCF-style: chr13-110807668-C-T.
Other names: short protein forms G1573R.
Identifiers: ClinVar variation 1344678 (VCV001344678.7), dbSNP rs759600848, ClinGen allele CA7046838.
Genomic context (GRCh38, chr13:110,155,321, plus strand): 5'-TGGCGTCTCCCCAGACACTTACCATCACAAAAGAGTAGCCGATCCACAGCGAGGACCACC[C>T]GCTGGGGCACGGTGGGATCTGAATGGTCTGGCTGTGCACGGCCATCACCATGGCAGGCGC-3'
Protein context (NP_001836.3, residues 1563-1583): QTIQIPPCPS[Gly1573Arg]WSSLWIGYSF

ClinVar aggregate classification (germline): Uncertain significance. Review status: criteria provided, multiple submitters, no conflicts (2 of 4 stars). 3 submissions from 3 submitters: Uncertain significance (2). 1 of the submissions does not count toward it. Last evaluated 2025-12-21.

Conditions:
Congenital anomaly of kidney and urinary tract. Also called: Congenital anomalies of kidney and urinary tract; Congenital anomalies of the kidney and urinary tract. Identifiers: Orphanet 93545, MedGen C1968949, MeSH C566906, MONDO:0019719.

Allele frequency attached by ClinVar (database versions not stated): TOPMed below 0.00001; ExAC 0.00001; gnomAD exomes 0.00001.
gnomAD v4.1: 21 of 1,614,182 alleles (0.0013%); highest among the groups gnomAD compares: East Asian, 0.0045%; no homozygotes.

Submissions (3):

Labcorp Genetics (formerly Invitae), Labcorp
Classification: Uncertain significance. Last evaluated: 2025-12-21. Review status: criteria provided, single submitter. Criteria: Invitae Variant Classification Sherloc (09022015). Collection method: clinical testing. Allele origin: germline.
Comment: This sequence change replaces glycine, which is neutral and non-polar, with arginine, which is basic and polar, at codon 1573 of the COL4A1 protein (p.Gly1573Arg). This variant is present in population databases (rs759600848, gnomAD 0.006%). This missense change has been observed in individual(s) with clinical features of congenital anomalies of the kidney and urinary tract (PMID: 31230195). ClinVar contains an entry for this variant (Variation ID: 1344678). Invitae Evidence Modeling of protein sequence and biophysical properties (such as structural, functional, and spatial information, amino acid conservation, physicochemical variation, residue mobility, and thermodynamic stability) indicates that this missense variant is not expected to disrupt COL4A1 protein function with a negative predictive value of 95%. In summary, the available evidence is currently insufficient to determine the role of this variant in disease. Therefore, it has been classified as a Variant of Uncertain Significance.

Blueprint Genetics
Classification: Uncertain significance. Last evaluated: 2024-11-25. Review status: criteria provided, single submitter. Criteria: ACMG Guidelines, 2015. Collection method: clinical testing. Allele origin: germline.

Yale Center for Mendelian Genomics, Yale University
Classification: Likely pathogenic for Congenital anomaly of kidney and urinary tract. Last evaluated: 2019-06-22. Review status: no assertion criteria provided. Collection method: literature only. Allele origin: germline. Affected: yes. Observed: 1 heterozygote. Study: Yale Center for Mendelian Genomics. Not counted in ClinVar's aggregate classification.

Literature cited by the submitters: PubMed 31230195 (cited by Labcorp Genetics (formerly Invitae), Labcorp and Yale Center for Mendelian Genomics, Yale University).